The following is an entry in ClinVar:

NM_015338.6(ASXL1):c.4186G>C (p.Val1396Leu)

Gene: ASXL1 (ASXL transcriptional regulator 1; plus strand). Cytogenetic location: 20q11.21.
Variant type: single nucleotide variant.
Coding change: c.4186G>C on transcript NM_015338.6 (MANE Select); coding-DNA position 4186, G replaced by C.
Protein change: p.Val1396Leu; replaces valine 1396 with leucine.
Molecular consequence: missense variant.
Genome position (GRCh38, 1-based): chr20:32,436,898, G>C. VCF-style: chr20-32436898-G-C. GRCh37 (hg19) VCF-style: chr20-31024701-G-C.
Other names: c.4003G>C, p.Val1335Leu (NM_001363734.1); short protein forms V1335L, V1396L.
Identifiers: ClinVar variation 3791958 (VCV003791958.1).
Genomic context (GRCh38, chr20:32,436,898, plus strand): 5'-GGTCCTCTTAAGGCAAATGCCGAGAACAGGAAAGCTACTGGGCATAGTCCCCTGGAACTG[G>C]TGGGTCACTTGGAAGGGATGCCCTTTGTCATGGACTTGCCCTTCTGGAAATTACCCCGAG-3'
Protein context (NP_056153.2, residues 1386-1406): KATGHSPLEL[Val1396Leu]GHLEGMPFVM

ClinVar aggregate classification (germline): Uncertain significance (1 of 4 stars; one submission).

Conditions:
Inborn genetic diseases. Identifiers: MedGen C0950123, MeSH D030342.

Submission:

Ambry Genetics
Classification: Uncertain significance for Inborn genetic diseases. Last evaluated: 2025-01-05. Review status: criteria provided, single submitter. Criteria: Ambry Variant Classification Scheme 2023. Collection method: clinical testing. Allele origin: germline.
Comment: The p.V1396L variant (also known as c.4186G>C), located in coding exon 13 of the ASXL1 gene, results from a G to C substitution at nucleotide position 4186. The valine at codon 1396 is replaced by leucine, an amino acid with highly similar properties. This amino acid position is conserved. In addition, this alteration is predicted to be tolerated by in silico analysis. Based on the available evidence, the clinical significance of this variant remains unclear.